The following is an entry in ClinVar:

NM_014846.4(WASHC5):c.1094G>C (p.Cys365Ser)

Gene: WASHC5 (WASH complex subunit 5; minus strand). Cytogenetic location: 8q24.13.
Variant type: single nucleotide variant.
Coding change: c.1094G>C on transcript NM_014846.4 (MANE Select); coding-DNA position 1094, G replaced by C.
Protein change: p.Cys365Ser; replaces cysteine 365 with serine.
Molecular consequence: missense variant.
Genome position (GRCh38, 1-based): chr8:125,073,209, C>G on the plus strand (G>C on the coding strand, the complement: WASHC5 is on the minus strand). VCF-style: chr8-125073209-C-G. GRCh37 (hg19) VCF-style: chr8-126085451-C-G.
Other names: c.650G>C, p.Cys217Ser (NM_001330609.2); short protein forms C365S, C217S.
Identifiers: ClinVar variation 1473302 (VCV001473302.8), dbSNP rs756457820, ClinGen allele CA4873937.
Genomic context (GRCh38, chr8:125,073,209, plus strand): 5'-TTACCTGAGTCTGCTGTATGAAGCATCAGCCATCGGATGGCAACATTGCAGTCTCTCAGG[C>G]AGTTCAGAAGCTTTGGGATATTGTCCAGAACCATCTCCTCCCTTAAATAACCTTCTTTTA-3'
Protein context (NP_055661.3, residues 355-375): VLDNIPKLLN[Cys365Ser]LRDCNVAIRW

ClinVar aggregate classification (germline): Uncertain significance (1 of 4 stars; one submission).

Conditions:
Hereditary spastic paraplegia 8 (SPG8). Also called: SPASTIC PARAPLEGIA 8, AUTOSOMAL DOMINANT. Identifiers: Orphanet 100989, MedGen C1863704, MONDO:0011339, OMIM 603563.
Ritscher-Schinzel syndrome. Also called: CRANIOCEREBELLOCARDIAC DYSPLASIA. Identifiers: Orphanet 7, MedGen C0796137, MONDO:0019078.

Allele frequency attached by ClinVar (database versions not stated): gnomAD exomes 0.00001; gnomAD 0.00003; ExAC 0.00001; TOPMed 0.00005.
gnomAD v4.1: 10 of 1,614,030 alleles (0.00062%); highest among the groups gnomAD compares: African/African-American, 0.008%; no homozygotes.

Submission:

Labcorp Genetics (formerly Invitae), Labcorp
Classification: Uncertain significance for Ritscher-Schinzel syndrome; Hereditary spastic paraplegia 8. Last evaluated: 2022-12-06. Review status: criteria provided, single submitter. Criteria: Invitae Variant Classification Sherloc (09022015). Collection method: clinical testing. Allele origin: germline.
Comment: In summary, the available evidence is currently insufficient to determine the role of this variant in disease. Therefore, it has been classified as a Variant of Uncertain Significance. Advanced modeling of protein sequence and biophysical properties (such as structural, functional, and spatial information, amino acid conservation, physicochemical variation, residue mobility, and thermodynamic stability) performed at Invitae indicates that this missense variant is not expected to disrupt WASHC5 protein function. ClinVar contains an entry for this variant (Variation ID: 1473302). This variant has not been reported in the literature in individuals affected with WASHC5-related conditions. This variant is present in population databases (rs756457820, gnomAD 0.006%). This sequence change replaces cysteine, which is neutral and slightly polar, with serine, which is neutral and polar, at codon 365 of the WASHC5 protein (p.Cys365Ser).